The following is an entry in ClinVar:

ClinVar aggregate classification (germline): Benign/Likely benign. Review status: criteria provided, multiple submitters, no conflicts (2 of 4 stars). 8 submissions from 7 submitters: Benign (4); Likely benign (3). 1 of the submissions does not count toward it. Last evaluated 2025-11-18.

Conditions:
Ehlers-Danlos syndrome, classic type, 1 (EDSCL1). Also called: EHLERS-DANLOS SYNDROME, GRAVIS TYPE; EHLERS-DANLOS SYNDROME, SEVERE CLASSIC TYPE; Ehlers-Danlos syndrome, type 1; Ehlers-Danlos Syndrome, Classic Type, COL5A1-Related; EDS I. Identifiers: MedGen C0268335, MONDO:0019567, OMIM 130000.
Fibromuscular dysplasia, multifocal. Identifiers: MedGen C5543412, MONDO:0859151, OMIM 619329.
COL5A1-related disorder. Also called: COL5A1-related condition.
Familial thoracic aortic aneurysm and aortic dissection (TAAD). Also called: Thoracic aortic aneurysms and dissections. Identifiers: Orphanet 91387, MedGen C4707243, MONDO:0019625.

Allele frequency attached by ClinVar (database versions not stated): TOPMed 0.00006; ESP Exome Variant Server 0.00008.
gnomAD v4.1: 49 of 1,613,388 alleles (0.003%); highest among the groups gnomAD compares: African/African-American, 0.0053%; no homozygotes.

Submissions (8):

Labcorp Genetics (formerly Invitae), Labcorp
Classification: Likely benign for Ehlers-Danlos syndrome, classic type, 1. Last evaluated: 2025-11-18. Review status: criteria provided, single submitter. Criteria: Invitae Variant Classification Sherloc (09022015). Collection method: clinical testing. Allele origin: germline.

Women's Health and Genetics/Laboratory Corporation of America, LabCorp
Classification: Benign. Last evaluated: 2023-08-24. Review status: criteria provided, single submitter. Criteria: LabCorp Variant Classification Summary - May 2015. Collection method: clinical testing. Allele origin: germline.

CeGaT Center for Human Genetics Tuebingen
Classification: Likely benign. Last evaluated: 2023-02-01. Review status: criteria provided, single submitter. Criteria: CeGaT Center For Human Genetics Tuebingen Variant Classification Criteria Version 2. Collection method: clinical testing. Allele origin: germline. Affected: yes. Observed: 1 variant allele.
Comment: COL5A1: BP4, BP7

Genome-Nilou Lab
Classification: Benign for Ehlers-Danlos syndrome, classic type, 1. Last evaluated: 2022-03-15. Review status: criteria provided, single submitter. Criteria: ACMG Guidelines, 2015. Collection method: clinical testing. Allele origin: germline. Affected: no.

Genome-Nilou Lab
Classification: Benign for Fibromuscular dysplasia, multifocal. Last evaluated: 2022-03-15. Review status: criteria provided, single submitter. Criteria: ACMG Guidelines, 2015. Collection method: clinical testing. Allele origin: germline. Affected: no.

Ambry Genetics
Classification: Likely benign for Familial thoracic aortic aneurysm and aortic dissection. Last evaluated: 2019-12-10. Review status: criteria provided, single submitter. Criteria: Ambry Variant Classification Scheme 2023. Collection method: clinical testing. Allele origin: germline.

GeneDx
Classification: Benign. Last evaluated: 2014-12-02. Review status: criteria provided, single submitter. Criteria: GeneDx Variant Classification (06012015). Collection method: clinical testing. Allele origin: germline. Affected: yes.
Comment: This variant is considered likely benign or benign based on one or more of the following criteria: it is a conservative change, it occurs at a poorly conserved position in the protein, it is predicted to be benign by multiple in silico algorithms, and/or has population frequency not consistent with disease.

PreventionGenetics, part of Exact Sciences
Classification: Likely benign for COL5A1-related condition. Last evaluated: 2023-11-08. Review status: no assertion criteria provided. Collection method: clinical testing. Allele origin: germline. Not counted in ClinVar's aggregate classification.
Comment: This variant is classified as likely benign based on ACMG/AMP sequence variant interpretation guidelines (Richards et al. 2015 PMID: 25741868, with internal and published modifications).

NM_000093.5(COL5A1):c.1977C>T (p.Asp659=)

Gene: COL5A1 (collagen type V alpha 1 chain; plus strand). Cytogenetic location: 9q34.3.
Variant type: single nucleotide variant.
Coding change: c.1977C>T on transcript NM_000093.5 (MANE Select); coding-DNA position 1977, C replaced by T.
Protein change: p.Asp659=; no amino-acid change (aspartic acid 659 retained).
Molecular consequence: synonymous variant.
Genome position (GRCh38, 1-based): chr9:134,761,966, C>T. VCF-style: chr9-134761966-C-T. GRCh37 (hg19) VCF-style: chr9-137653812-C-T.
Other names: p.D659D:GAC>GAT; c.1977C>T (NM_000093.4); c.1977C>T, p.Asp659= (NM_001278074.1).
Identifiers: ClinVar variation 212887 (VCV000212887.38), dbSNP rs370766020, ClinGen allele CA323406.